The following is an entry in ClinVar:

ClinVar aggregate classification (germline): Uncertain significance. Review status: criteria provided, multiple submitters, no conflicts (2 of 4 stars). 3 submissions from 3 submitters: Uncertain significance (3). Last evaluated 2025-11-15.

Conditions:
Dilated cardiomyopathy 1AA (CMD1AA). Also called: Cardiomyopathy, dilated, 1AA, with or without LVNC; CARDIOMYOPATHY, DILATED, 1AA, WITH OR WITHOUT LEFT VENTRICULAR NONCOMPACTION; CARDIOMYOPATHY, FAMILIAL HYPERTROPHIC, 23, WITH OR WITHOUT LEFT VENTRICULAR NONCOMPACTION. Identifiers: Orphanet 154, MedGen C2677338, MONDO:0012808, OMIM 612158.
Primary familial hypertrophic cardiomyopathy (HCM). Identifiers: Orphanet 99739, MedGen C0949658, MeSH D024741, MONDO:0024573. Inheritance: Various modes of inheritance.
Cardiovascular phenotype. Identifiers: MedGen CN230736.

Allele frequency attached by ClinVar (database versions not stated): gnomAD 0.00001 and 0.00002; gnomAD exomes 0.00001; TOPMed 0.00001; ExAC 0.00002.
gnomAD v4.1: 20 of 1,613,912 alleles (0.0012%); highest among the groups gnomAD compares: African/African-American, 0.0053%; no homozygotes.

Submissions (3):

Ambry Genetics
Classification: Uncertain significance for Cardiovascular phenotype. Last evaluated: 2025-11-15. Review status: criteria provided, single submitter. Criteria: Ambry Variant Classification Scheme 2023. Collection method: clinical testing. Allele origin: germline.
Comment: The p.R324W variant (also known as c.970C>T), located in coding exon 10 of the ACTN2 gene, results from a C to T substitution at nucleotide position 970. The arginine at codon 324 is replaced by tryptophan, an amino acid with dissimilar properties. This amino acid position is highly conserved in available vertebrate species. In addition, this alteration is predicted to be deleterious by in silico analysis. Since supporting evidence is limited at this time, the clinical significance of this alteration remains unclear.

Labcorp Genetics (formerly Invitae), Labcorp
Classification: Uncertain significance for Primary familial hypertrophic cardiomyopathy; Dilated cardiomyopathy 1AA. Last evaluated: 2025-07-15. Review status: criteria provided, single submitter. Criteria: Invitae Variant Classification Sherloc (09022015). Collection method: clinical testing. Allele origin: germline.
Comment: This sequence change replaces arginine, which is basic and polar, with tryptophan, which is neutral and slightly polar, at codon 324 of the ACTN2 protein (p.Arg324Trp). This variant is present in population databases (rs747674727, gnomAD 0.006%). This variant has not been reported in the literature in individuals affected with ACTN2-related conditions. ClinVar contains an entry for this variant (Variation ID: 393202). Invitae Evidence Modeling of protein sequence and biophysical properties (such as structural, functional, and spatial information, amino acid conservation, physicochemical variation, residue mobility, and thermodynamic stability) indicates that this missense variant is expected to disrupt ACTN2 protein function with a positive predictive value of 80%. In summary, the available evidence is currently insufficient to determine the role of this variant in disease. Therefore, it has been classified as a Variant of Uncertain Significance.

GeneDx
Classification: Uncertain significance. Last evaluated: 2023-04-25. Review status: criteria provided, single submitter. Criteria: GeneDx Variant Classification Process June 2021. Collection method: clinical testing. Allele origin: germline. Affected: yes.
Comment: Has not been previously published as pathogenic or benign to our knowledge; Not observed at significant frequency in large population cohorts (gnomAD); In silico analysis supports that this missense variant has a deleterious effect on protein structure/function

NM_001103.4(ACTN2):c.970C>T (p.Arg324Trp)

Gene: ACTN2 (actinin alpha 2; plus strand). Cytogenetic location: 1q43.
Variant type: single nucleotide variant.
Coding change: c.970C>T on transcript NM_001103.4 (MANE Select); coding-DNA position 970, C replaced by T.
Protein change: p.Arg324Trp; replaces arginine 324 with tryptophan.
Molecular consequence: missense variant.
Genome position (GRCh38, 1-based): chr1:236,739,395, C>T. VCF-style: chr1-236739395-C-T. GRCh37 (hg19) VCF-style: chr1-236902695-C-T.
Other names: c.970C>T, p.Arg324Trp (NM_001278343.2); c.346C>T, p.Arg116Trp (NM_001278344.2); short protein forms R324W, R116W.
Identifiers: ClinVar variation 393202 (VCV000393202.12), dbSNP rs747674727, ClinGen allele CA1473020.